The following is an entry in ClinVar:

NM_013275.6(ANKRD11):c.1355del (p.Asn452fs)

Gene: ANKRD11 (ankyrin repeat domain 11; minus strand). Cytogenetic location: 16q24.3.
Variant type: Deletion.
Coding change: c.1355del on transcript NM_013275.6 (MANE Select); coding-DNA position 1355, one base deleted (A; older notation c.1355delA).
Protein change: p.Asn452fs; shifts the reading frame from asparagine 452.
Molecular consequence: frameshift variant.
Genome position (GRCh38, 1-based): chr16:89,285,187, T deleted on the plus strand (A on the coding strand, the reverse complement: ANKRD11 is on the minus strand); the first of 7 consecutive T bases (chr16:89,285,187-89,285,193); deleting any one gives the same sequence. VCF-style (leftmost placement, unchanged base first): chr16-89285186-AT-A. GRCh37 (hg19) VCF-style: chr16-89351594-AT-A.
Other names: c.1355del, p.Asn452fs (NM_001256182.2, NM_001256183.2); short protein forms N452fs.
Identifiers: ClinVar variation 985753 (VCV000985753.21), dbSNP rs1597465118, ClinGen allele CA645596985.

ClinVar aggregate classification (germline): Pathogenic. Review status: criteria provided, multiple submitters, no conflicts (2 of 4 stars). 2 submissions from 2 submitters: Pathogenic (2). Last evaluated 2024-06-01.

Conditions:
Inborn genetic diseases. Identifiers: MedGen C0950123, MeSH D030342.

Submissions (2):

CeGaT Center for Human Genetics Tuebingen
Classification: Pathogenic. Last evaluated: 2024-06-01. Review status: criteria provided, single submitter. Criteria: CeGaT Center For Human Genetics Tuebingen Variant Classification Criteria Version 2. Collection method: clinical testing. Allele origin: germline. Affected: yes. Observed: 1 variant allele.
Comment: ANKRD11: PVS1, PM2

Ambry Genetics
Classification: Pathogenic for Inborn genetic diseases. Last evaluated: 2017-11-24. Review status: criteria provided, single submitter. Criteria: Ambry exome assertion method (8-5-2015). Collection method: clinical testing. Allele origin: germline. Affected: yes. Observed: 1 variant allele.